The following is an entry in ClinVar:

NM_001042492.3(NF1):c.5032T>G (p.Tyr1678Asp)

Gene: NF1 (neurofibromin 1; plus strand). Cytogenetic location: 17q11.2.
Variant type: single nucleotide variant.
Coding change: c.5032T>G on transcript NM_001042492.3 (MANE Select); coding-DNA position 5032, T replaced by G.
Protein change: p.Tyr1678Asp; replaces tyrosine 1678 with aspartic acid.
Molecular consequence: missense variant.
Genome position (GRCh38, 1-based): chr17:31,326,016, T>G. VCF-style: chr17-31326016-T-G. GRCh37 (hg19) VCF-style: chr17-29653034-T-G.
Other names: c.4969T>G, p.Tyr1657Asp (NM_000267.4); short protein forms Y1678D, Y1657D.
Identifiers: ClinVar variation 2007544 (VCV002007544.4), dbSNP rs786203241, ClinGen allele CA399007356.

ClinVar aggregate classification (germline): Likely pathogenic (1 of 4 stars; one submission).

Conditions:
Neurofibromatosis, type 1 (NF1). Also called: Neurofibromatosis, type I; Peripheral type neurofibromatosis; VON RECKLINGHAUSEN DISEASE; NEUROFIBROMATOSIS, TYPE I, SOMATIC. Identifiers: Orphanet 636, MedGen C0027831, MONDO:0018975, OMIM 162200. Disease mechanism: loss of function.

Submission:

Labcorp Genetics (formerly Invitae), Labcorp
Classification: Likely pathogenic for Neurofibromatosis, type 1. Last evaluated: 2022-06-20. Review status: criteria provided, single submitter. Criteria: Invitae Variant Classification Sherloc (09022015). Collection method: clinical testing. Allele origin: germline.
Comment: In summary, the currently available evidence indicates that the variant is pathogenic, but additional data are needed to prove that conclusively. Therefore, this variant has been classified as Likely Pathogenic. Advanced modeling of protein sequence and biophysical properties (such as structural, functional, and spatial information, amino acid conservation, physicochemical variation, residue mobility, and thermodynamic stability) performed at Invitae indicates that this missense variant is expected to disrupt NF1 protein function. This missense change has been observed in individual(s) with neurofibromatosis type 1 (Invitae). This variant is not present in population databases (gnomAD no frequency). This sequence change replaces tyrosine, which is neutral and polar, with aspartic acid, which is acidic and polar, at codon 1657 of the NF1 protein (p.Tyr1657Asp).